The following is an entry in ClinVar:

ClinVar aggregate classification (germline): Uncertain significance (1 of 4 stars; one submission).

Submission:

Labcorp Genetics (formerly Invitae), Labcorp
Classification: Uncertain significance. Last evaluated: 2025-09-03. Review status: criteria provided, single submitter. Criteria: Invitae Variant Classification Sherloc (09022015). Collection method: clinical testing. Allele origin: germline.
Comment: This sequence change creates a premature translational stop signal (p.Gln1537*) in the TET2 gene. While this is not anticipated to result in nonsense mediated decay, it is expected to disrupt the last 466 amino acid(s) of the TET2 protein. This variant is not present in population databases (gnomAD no frequency). This variant has not been reported in the literature in individuals affected with TET2-related conditions. Experimental studies and prediction algorithms are not available or were not evaluated, and the functional significance of this variant is currently unknown. In summary, the available evidence is currently insufficient to determine the role of this variant in disease. Therefore, it has been classified as a Variant of Uncertain Significance.

NM_001127208.3(TET2):c.4609C>T (p.Gln1537Ter)

Genes: TET2 (tet methylcytosine dioxygenase 2; plus strand), TET2-AS1 (TET2 antisense RNA 1; minus strand). Cytogenetic location: 4q24.
Variant type: single nucleotide variant.
Coding change: c.4609C>T on transcript NM_001127208.3 (MANE Select); coding-DNA position 4609, C replaced by T.
Protein change: p.Gln1537Ter; replaces glutamine 1537 with a stop codon.
Molecular consequence: nonsense.
Genome position (GRCh38, 1-based): chr4:105,275,119, C>T. VCF-style: chr4-105275119-C-T. GRCh37 (hg19) VCF-style: chr4-106196276-C-T.
Other names: short protein forms Q1537*.
Identifiers: ClinVar variation 4726262 (VCV004726262.1).